The following is an entry in ClinVar:

ClinVar aggregate classification (germline): Likely benign. Review status: criteria provided, multiple submitters, no conflicts (2 of 4 stars). 5 submissions from 4 submitters: Likely benign (5). Last evaluated 2024-04-01.

Conditions:
Seckel syndrome 1 (SCKL1). Also called: MICROCEPHALIC PRIMORDIAL DWARFISM I. Identifiers: Orphanet 808, MedGen C4551474, MONDO:0008869, OMIM 210600.
Familial cutaneous telangiectasia and oropharyngeal predisposition cancer syndrome. Identifiers: Orphanet 313846, MedGen C3281203, MONDO:0013806, OMIM 614564.
Inborn genetic diseases. Identifiers: MedGen C0950123, MeSH D030342.

Allele frequency attached by ClinVar (database versions not stated): gnomAD exomes below 0.00001.
gnomAD v4.1: 2 of 1,612,668 alleles (0.00012%); highest among the groups gnomAD compares: Non-Finnish European, 0.00017%; no homozygotes.

Submissions (5):

CeGaT Center for Human Genetics Tuebingen
Classification: Likely benign. Last evaluated: 2024-04-01. Review status: criteria provided, single submitter. Criteria: CeGaT Center For Human Genetics Tuebingen Variant Classification Criteria Version 2. Collection method: clinical testing. Allele origin: germline. Affected: yes. Observed: 1 variant allele.
Comment: ATR: PM2:Supporting, BP4, BP7

Labcorp Genetics (formerly Invitae), Labcorp
Classification: Likely benign. Last evaluated: 2023-10-16. Review status: criteria provided, single submitter. Criteria: Invitae Variant Classification Sherloc (09022015). Collection method: clinical testing. Allele origin: germline.

Genome-Nilou Lab
Classification: Likely benign for Seckel syndrome 1. Last evaluated: 2023-02-08. Review status: criteria provided, single submitter. Criteria: ACMG Guidelines, 2015. Collection method: clinical testing. Allele origin: germline.

Genome-Nilou Lab
Classification: Likely benign for Familial cutaneous telangiectasia and oropharyngeal predisposition cancer syndrome. Last evaluated: 2023-02-08. Review status: criteria provided, single submitter. Criteria: ACMG Guidelines, 2015. Collection method: clinical testing. Allele origin: germline.

Ambry Genetics
Classification: Likely benign for Inborn genetic diseases. Last evaluated: 2022-03-14. Review status: criteria provided, single submitter. Criteria: Ambry Variant Classification Scheme 2023. Collection method: clinical testing. Allele origin: germline.

NM_001184.4(ATR):c.7662A>G (p.Leu2554=)

Gene: ATR (ATR checkpoint kinase; minus strand). Cytogenetic location: 3q23.
Variant type: single nucleotide variant.
Coding change: c.7662A>G on transcript NM_001184.4 (MANE Select); coding-DNA position 7662, A replaced by G.
Protein change: p.Leu2554=; no amino-acid change (leucine 2554 retained).
Molecular consequence: synonymous variant.
Genome position (GRCh38, 1-based): chr3:142,453,227, T>C on the plus strand (A>G on the coding strand, the complement: ATR is on the minus strand). VCF-style: chr3-142453227-T-C. GRCh37 (hg19) VCF-style: chr3-142172069-T-C.
Other names: c.7470A>G, p.Leu2490= (NM_001354579.2).
Identifiers: ClinVar variation 1113589 (VCV001113589.30), dbSNP rs2108249803, ClinGen allele CA436120060.